The following is an entry in ClinVar:

NM_001098.3(ACO2):c.401T>C (p.Val134Ala)

Gene: ACO2 (aconitase 2; plus strand). Cytogenetic location: 22q13.2.
Variant type: single nucleotide variant.
Coding change: c.401T>C on transcript NM_001098.3 (MANE Select); coding-DNA position 401, T replaced by C.
Protein change: p.Val134Ala; replaces valine 134 with alanine.
Molecular consequence: missense variant.
Genome position (GRCh38, 1-based): chr22:41,508,018, T>C. VCF-style: chr22-41508018-T-C. GRCh37 (hg19) VCF-style: chr22-41904022-T-C.
Other names: short protein forms V134A.
Identifiers: ClinVar variation 1376662 (VCV001376662.21), dbSNP rs755799401, ClinGen allele CA10257338.

ClinVar aggregate classification (germline): Uncertain significance. Review status: criteria provided, multiple submitters, no conflicts (2 of 4 stars). 2 submissions from 2 submitters: Uncertain significance (2). Last evaluated 2025-01-01.

Allele frequency attached by ClinVar (database versions not stated): TOPMed below 0.00001; ExAC 0.00001; gnomAD exomes 0.00001.
gnomAD v4.1: 10 of 1,613,150 alleles (0.00062%); highest among the groups gnomAD compares: Non-Finnish European, 0.00085%; no homozygotes.

Submissions (2):

CeGaT Center for Human Genetics Tuebingen
Classification: Uncertain significance. Last evaluated: 2025-01-01. Review status: criteria provided, single submitter. Criteria: CeGaT Center For Human Genetics Tuebingen Variant Classification Criteria Version 2. Collection method: clinical testing. Allele origin: germline. Affected: yes. Observed: 1 variant allele.
Comment: ACO2: PM2, BP4

Labcorp Genetics (formerly Invitae), Labcorp
Classification: Uncertain significance. Last evaluated: 2021-03-03. Review status: criteria provided, single submitter. Criteria: Invitae Variant Classification Sherloc (09022015). Collection method: clinical testing. Allele origin: germline.
Comment: In summary, the available evidence is currently insufficient to determine the role of this variant in disease. Therefore, it has been classified as a Variant of Uncertain Significance. Advanced modeling of protein sequence and biophysical properties (such as structural, functional, and spatial information, amino acid conservation, physicochemical variation, residue mobility, and thermodynamic stability) performed at Invitae indicates that this missense variant is not expected to disrupt ACO2 protein function. This variant has not been reported in the literature in individuals with ACO2-related conditions. This variant is present in population databases (rs755799401, ExAC 0.002%). This sequence change replaces valine with alanine at codon 134 of the ACO2 protein (p.Val134Ala). The valine residue is weakly conserved and there is a small physicochemical difference between valine and alanine.